The following is an entry in ClinVar:

NM_006593.4(TBR1):c.1544_1545del (p.Ser515fs)

Genes: TBR1 (T-box brain transcription factor 1; plus strand), LOC129935026 (ATAC-STARR-seq lymphoblastoid silent region 12060; plus strand). Cytogenetic location: 2q24.2.
Variant type: Microsatellite.
Coding change: c.1544_1545del on transcript NM_006593.4 (MANE Select); coding-DNA positions 1544 to 1545, 2 bases deleted (CT; older notation c.1544_1545delCT).
Protein change: p.Ser515fs; shifts the reading frame from serine 515.
Molecular consequence: frameshift variant.
Genome position (GRCh38, 1-based): chr2:161,423,722-161,423,723, CT deleted; deleting any 2 consecutive bases within chr2:161,423,718-161,423,723 gives the same sequence; the c. name uses the placement nearest the transcript's 3' end. VCF-style (leftmost placement, unchanged base first): chr2-161423717-GCT-G. GRCh37 (hg19) VCF-style: chr2-162280228-GCT-G.
Other names: p.S515Lfs*158; short protein forms S515fs.
Identifiers: ClinVar variation 1219847 (VCV001219847.4), dbSNP rs2105282575, ClinGen allele CA2580614372.

ClinVar aggregate classification (germline): Pathogenic. Review status: criteria provided, multiple submitters, no conflicts (2 of 4 stars). 2 submissions from 2 submitters: Pathogenic (2). Last evaluated 2026-05-18.

Conditions:
Intellectual developmental disorder with autism and speech delay. Also called: AUTISM-RELATED SPEECH DELAY; PHRASE SPEECH DELAY, AUTISM-RELATED; Autism, susceptibility to, 5; Autism 5; AUTS5. Identifiers: MedGen C1853755, MONDO:0011627, OMIM 606053.

Submissions (2):

Undiagnosed Diseases Network, NIH
Classification: Pathogenic for Intellectual developmental disorder with autism and speech delay. Last evaluated: 2026-05-18. Review status: criteria provided, single submitter. Criteria: ACMG Guidelines, 2015. Collection method: clinical testing. Allele origin: de novo. Inheritance: Autosomal dominant inheritance. Affected: yes. Observed: 1 variant allele, 1 heterozygote. Study: Undiagnosed Diseases Network, UDN.
Comment: Frameshift variant in exon 6 where other previously reported pathogenic frameshift variants in affected individuals have been reported. Same variant previously reported as pathogenic in ClinVar.

GeneDx
Classification: Pathogenic. Last evaluated: 2019-08-16. Review status: criteria provided, single submitter. Criteria: GeneDx Variant Classification Process June 2021. Collection method: clinical testing. Allele origin: germline. Affected: yes.
Comment: Frameshift variant in the C-terminus predicted to result in protein truncation, as the last 168 amino acids are lost and replaced with 157 incorrect amino acids (Stenson et al., 2014); Not observed in large population cohorts (Lek et al., 2016); Has not been previously published as pathogenic or benign to our knowledge